The following is an entry in ClinVar:

ClinVar aggregate classification (germline): Uncertain significance (1 of 4 stars; one submission).

gnomAD v4.1: 7 of 1,614,116 alleles (0.00043%); highest among the groups gnomAD compares: Non-Finnish European, 0.00059%; no homozygotes.

Submission:

GeneDx
Classification: Uncertain significance. Last evaluated: 2020-03-03. Review status: criteria provided, single submitter. Criteria: GeneDx Variant Classification Process June 2021. Collection method: clinical testing. Allele origin: germline. Affected: yes.
Comment: Not observed in large population cohorts (Lek et al., 2016); In silico analysis supports that this missense variant has a deleterious effect on protein structure/function; Has not been previously published as pathogenic or benign to our knowledge

NM_001563.4(IMPG1):c.1010A>T (p.His337Leu)

Gene: IMPG1 (interphotoreceptor matrix proteoglycan 1; minus strand). Cytogenetic location: 6q14.1.
Variant type: single nucleotide variant.
Coding change: c.1010A>T on transcript NM_001563.4 (MANE Select); coding-DNA position 1010, A replaced by T.
Protein change: p.His337Leu; replaces histidine 337 with leucine.
Molecular consequence: missense variant.
Genome position (GRCh38, 1-based): chr6:76,005,412, T>A on the plus strand (A>T on the coding strand, the complement: IMPG1 is on the minus strand). VCF-style: chr6-76005412-T-A. GRCh37 (hg19) VCF-style: chr6-76715129-T-A.
Other names: c.776A>T, p.His259Leu (NM_001282368.2); short protein forms H259L, H337L.
Identifiers: ClinVar variation 1304098 (VCV001304098.2), dbSNP rs371964145, ClinGen allele CA364774095.
Genomic context (GRCh38, chr6:76,005,412, plus strand): 5'-CTTTTGAGGTCTGTAGCTGTGAGATAGATTTCTGGTTGCTTGTCCTCCTCCATGGTTCCA[T>A]GATAGACTTCCTCACTTTCAATTTTGTTGGAATCAAAAGACAGGAGGTCACTTGCAGGGC-3'
Protein context (NP_001554.2, residues 327-347): SNKIESEEVY[His337Leu]GTMEEDKQPE